The following is an entry in ClinVar:

ClinVar aggregate classification (germline): Uncertain significance (1 of 4 stars; one submission).

Conditions:
Muscular dystrophy-dystroglycanopathy type B6 (MDDGB6). Also called: MUSCULAR DYSTROPHY-DYSTROGLYCANOPATHY (CONGENITAL WITH IMPAIRED INTELLECTUAL DEVELOPMENT), TYPE B, 6; MUSCULAR DYSTROPHY, CONGENITAL, LARGE-RELATED; MUSCULAR DYSTROPHY, CONGENITAL, TYPE 1D. Identifiers: MedGen C1837229, MONDO:0012138, OMIM 608840.

Submission:

Labcorp Genetics (formerly Invitae), Labcorp
Classification: Uncertain significance for Muscular dystrophy-dystroglycanopathy type B6. Last evaluated: 2022-07-30. Review status: criteria provided, single submitter. Criteria: Invitae Variant Classification Sherloc (09022015). Collection method: clinical testing. Allele origin: germline.
Comment: In summary, the available evidence is currently insufficient to determine the role of this variant in disease. Therefore, it has been classified as a Variant of Uncertain Significance. Algorithms developed to predict the effect of missense changes on protein structure and function (SIFT, PolyPhen-2, Align-GVGD) all suggest that this variant is likely to be tolerated. This variant has not been reported in the literature in individuals affected with LARGE1-related conditions. This variant is not present in population databases (gnomAD no frequency). This sequence change replaces lysine, which is basic and polar, with glutamic acid, which is acidic and polar, at codon 262 of the LARGE1 protein (p.Lys262Glu).

NM_133642.5(LARGE1):c.784A>G (p.Lys262Glu)

Gene: LARGE1 (LARGE xylosyl- and glucuronyltransferase 1; minus strand). Cytogenetic location: 22q12.3.
Variant type: single nucleotide variant.
Coding change: c.784A>G on transcript NM_133642.5 (MANE Select); coding-DNA position 784, A replaced by G.
Protein change: p.Lys262Glu; replaces lysine 262 with glutamic acid.
Molecular consequence: missense variant.
Genome position (GRCh38, 1-based): chr22:33,564,851, T>C on the plus strand (A>G on the coding strand, the complement: LARGE1 is on the minus strand). VCF-style: chr22-33564851-T-C. GRCh37 (hg19) VCF-style: chr22-33960837-T-C.
Other names: c.784A>G, p.Lys262Glu (NM_001362949.2, NM_001362951.2, NM_001362953.2 and 7 more transcripts); c.181A>G, p.Lys61Glu (NM_001378630.1, NM_001378631.1); short protein forms K262E, K61E.
Identifiers: ClinVar variation 2020327 (VCV002020327.4), dbSNP rs2518342853, ClinGen allele CA411545556.